The following is an entry in ClinVar:

NM_001458.5(FLNC):c.4795A>G (p.Thr1599Ala)

Gene: FLNC (filamin C; plus strand). Cytogenetic location: 7q32.1.
Variant type: single nucleotide variant.
Coding change: c.4795A>G on transcript NM_001458.5 (MANE Select); coding-DNA position 4795, A replaced by G.
Protein change: p.Thr1599Ala; replaces threonine 1599 with alanine.
Molecular consequence: missense variant.
Genome position (GRCh38, 1-based): chr7:128,848,850, A>G. VCF-style: chr7-128848850-A-G. GRCh37 (hg19) VCF-style: chr7-128488904-A-G.
Other names: c.4795A>G, p.Thr1599Ala (NM_001127487.2); short protein forms T1599A.
Identifiers: ClinVar variation 661128 (VCV000661128.13), dbSNP rs2643767, ClinGen allele CA4475460.

ClinVar aggregate classification (germline): Uncertain significance. Review status: criteria provided, multiple submitters, no conflicts (2 of 4 stars). 2 submissions from 2 submitters: Uncertain significance (2). Last evaluated 2026-01-25.

Conditions:
Cardiovascular phenotype. Identifiers: MedGen CN230736.
Distal myopathy with posterior leg and anterior hand involvement. Also called: WILLIAMS DISTAL MYOPATHY. Identifiers: Orphanet 63273, MedGen C3279722, MONDO:0013550, OMIM 614065.
Myofibrillar myopathy 5. Also called: Filaminopathy (type); FILAMINOPATHY, AUTOSOMAL DOMINANT. Identifiers: Orphanet 171445, MedGen C1836050, MONDO:0012289, OMIM 609524.
Hypertrophic cardiomyopathy 26. Also called: Cardiomyopathy, familial hypertrophic, 26. Identifiers: Orphanet 75249, MedGen C4310749, MONDO:0014883, OMIM 617047.

Allele frequency attached by ClinVar (database versions not stated): gnomAD exomes below 0.00001 and 0.00001; TOPMed below 0.00001; ExAC 0.00001; gnomAD 0.00001.
gnomAD v4.1: 12 of 1,613,836 alleles (0.00074%); highest among the groups gnomAD compares: Non-Finnish European, 0.001%; no homozygotes.

Submissions (2):

Labcorp Genetics (formerly Invitae), Labcorp
Classification: Uncertain significance for Distal myopathy with posterior leg and anterior hand involvement; Myofibrillar myopathy 5; Hypertrophic cardiomyopathy 26. Last evaluated: 2026-01-25. Review status: criteria provided, single submitter. Criteria: Invitae Variant Classification Sherloc (09022015). Collection method: clinical testing. Allele origin: germline.
Comment: This sequence change replaces threonine, which is neutral and polar, with alanine, which is neutral and non-polar, at codon 1599 of the FLNC protein (p.Thr1599Ala). The frequency data for this variant in the population databases is considered unreliable, as metrics indicate poor data quality at this position in the gnomAD database. This missense change has been observed in individual(s) with hypertrophic cardiomyopathy (PMID: 28356264). ClinVar contains an entry for this variant (Variation ID: 661128). Invitae Evidence Modeling of protein sequence and biophysical properties (such as structural, functional, and spatial information, amino acid conservation, physicochemical variation, residue mobility, and thermodynamic stability) has been performed for this missense variant. However, the output from this modeling did not meet the statistical confidence thresholds required to predict the impact of this variant on FLNC protein function. In summary, the available evidence is currently insufficient to determine the role of this variant in disease. Therefore, it has been classified as a Variant of Uncertain Significance.

Ambry Genetics
Classification: Uncertain significance for Cardiovascular phenotype. Last evaluated: 2025-04-04. Review status: criteria provided, single submitter. Criteria: Ambry Variant Classification Scheme 2023. Collection method: clinical testing. Allele origin: germline.
Comment: The p.T1599A variant (also known as c.4795A>G), located in coding exon 28 of the FLNC gene, results from an A to G substitution at nucleotide position 4795. The threonine at codon 1599 is replaced by alanine, an amino acid with similar properties. This variant has been detected in a hypertrophic cardiomyopathy cohort; however, details were limited (G&oacute;mez J et al. Circ Cardiovasc Genet, 2017 Apr;10:). This amino acid position is well conserved in available vertebrate species. In addition, the in silico prediction for this alteration is inconclusive. Since supporting evidence is limited at this time, the clinical significance of this alteration remains unclear.

Literature cited by the submitters: PubMed 28356264 (cited by Labcorp Genetics (formerly Invitae), Labcorp and Ambry Genetics).